The following is an entry in ClinVar:

NM_001852.4(COL9A2):c.217C>T (p.Pro73Ser)

Gene: COL9A2 (collagen type IX alpha 2 chain; minus strand). Cytogenetic location: 1p34.2.
Variant type: single nucleotide variant.
Coding change: c.217C>T on transcript NM_001852.4 (MANE Select); coding-DNA position 217, C replaced by T.
Protein change: p.Pro73Ser; replaces proline 73 with serine.
Molecular consequence: missense variant.
Genome position (GRCh38, 1-based): chr1:40,314,237, G>A on the plus strand (C>T on the coding strand, the complement: COL9A2 is on the minus strand). VCF-style: chr1-40314237-G-A. GRCh37 (hg19) VCF-style: chr1-40779909-G-A.
Other names: short protein forms P73S.
Identifiers: ClinVar variation 1174415 (VCV001174415.31), dbSNP rs375150574, ClinGen allele CA792071.
Genomic context (GRCh38, chr1:40,314,237, plus strand): 5'-CTGCCCCACCCGACACTCAGCTACTCACATCAATCCCGGGCTTCCCGTCTGGCCCATCTG[G>A]CCCAGCTTTGCCAGGCTCGCCCTTGGGTCCCTTGAAAACAGAGATGGAACAAACATGAGC-3'
Protein context (NP_001843.1, residues 63-83): GPKGEPGKAG[Pro73Ser]DGPDGKPGID

ClinVar aggregate classification (germline): Conflicting classifications of pathogenicity. Review status: criteria provided, conflicting classifications (1 of 4 stars). 7 submissions from 7 submitters: Uncertain significance (3); Likely benign (3). 1 of the submissions does not count toward it. Last evaluated 2025-01-23.

Conditions:
COL9A2-related disorder. Also called: COL9A2-related condition.
Stickler syndrome, type 5 (STL5). Also called: COL9A2-Related Stickler Syndrome. Identifiers: Orphanet 250984, Orphanet 828, MedGen C3280342, MONDO:0013666, OMIM 614284.

Allele frequency attached by ClinVar (database versions not stated): gnomAD exomes 0.00001 and 0.00004; ExAC 0.00004; TOPMed 0.00006; gnomAD 0.00011 and 0.00012.

Submissions (7):

Labcorp Genetics (formerly Invitae), Labcorp
Classification: Uncertain significance. Last evaluated: 2025-01-23. Review status: criteria provided, single submitter. Criteria: Invitae Variant Classification Sherloc (09022015). Collection method: clinical testing. Allele origin: germline.
Comment: This sequence change replaces proline, which is neutral and non-polar, with serine, which is neutral and polar, at codon 73 of the COL9A2 protein (p.Pro73Ser). This variant is present in population databases (rs375150574, gnomAD 0.03%). This variant has not been reported in the literature in individuals affected with COL9A2-related conditions. ClinVar contains an entry for this variant (Variation ID: 1174415). Invitae Evidence Modeling of protein sequence and biophysical properties (such as structural, functional, and spatial information, amino acid conservation, physicochemical variation, residue mobility, and thermodynamic stability) indicates that this missense variant is not expected to disrupt COL9A2 protein function with a negative predictive value of 95%. In summary, the available evidence is currently insufficient to determine the role of this variant in disease. Therefore, it has been classified as a Variant of Uncertain Significance.

Blueprint Genetics
Classification: Likely benign. Last evaluated: 2024-11-19. Review status: criteria provided, single submitter. Criteria: ACMG Guidelines, 2015. Collection method: clinical testing. Allele origin: germline.

CeGaT Center for Human Genetics Tuebingen
Classification: Likely benign. Last evaluated: 2024-01-01. Review status: criteria provided, single submitter. Criteria: CeGaT Center For Human Genetics Tuebingen Variant Classification Criteria Version 2. Collection method: clinical testing. Allele origin: germline. Affected: yes. Observed: 1 variant allele.
Comment: COL9A2: BS2

Women's Health and Genetics/Laboratory Corporation of America, LabCorp
Classification: Uncertain significance. Last evaluated: 2023-12-22. Review status: criteria provided, single submitter. Criteria: LabCorp Variant Classification Summary - May 2015. Collection method: clinical testing. Allele origin: germline.
Comment: Variant summary: COL9A2 c.217C>T (p.Pro73Ser) results in a non-conservative amino acid change located in the Collagen triple helix repeat (IPR008160) of the encoded protein sequence. Three of five in-silico tools predict a damaging effect of the variant on protein function. The variant allele was found at a frequency of 4.5e-05 in 1614236 control chromosomes (i.e., 72 alleles) in the gnomAD v4 database, including 2 homozygotes. The available data on variant occurrences in the general population are insufficient to allow any conclusion about variant significance, although are not suggestive of a variant associated with highly penetrant autosomal recessive or dominant disease. To our knowledge, no occurrence of c.217C>T in individuals affected with Epiphyseal dysplasia, multiple, 2 and no experimental evidence demonstrating its impact on protein function have been reported. Two submitters have reported clinical-significance assessments for this variant to ClinVar after 2014. One submitter classified the variant as likely benign, and one submitter classified the variant as uncertain significance. Based on the evidence outlined above, the variant was classified as VUS-possibly benign.

Victorian Clinical Genetics Services, Murdoch Childrens Research Institute
Classification: Uncertain significance for Stickler syndrome, type 5. Last evaluated: 2020-05-25. Review status: criteria provided, single submitter. Criteria: ACMG Guidelines, 2015. Collection method: clinical testing. Allele origin: germline. Affected: yes.
Comment: A heterozygous missense variant was identified, NM_001852.3(COL9A2):c.217C>T in exon 4 of 32 of the COL9A2 gene. This substitution is predicted to create a moderate amino acid change from proline to serine at position 73 of the protein, NP_001843.1(COL9A2):p.(Pro73Ser). The proline at this position has low conservation (100 vertebrates, UCSC), but is located within the collagen triple helix repeat region. In silico software predictions of the pathogenicity of this variant are conflicting (Polyphen, SIFT, CADD, Mutation Taster). The variant is present in the gnomAD population database at a frequency of 0.0039% (11 heterozygotes, 0 homozygotes). The variant has not been previously reported in a clinical testing setting. Based on information available at the time of curation, this variant has been classified as a VARIANT of UNCERTAIN SIGNIFICANCE (VUS).

GeneDx
Classification: Likely benign. Last evaluated: 2020-03-16. Review status: criteria provided, single submitter. Criteria: GeneDx Variant Classification (06012015). Collection method: clinical testing. Allele origin: germline. Affected: yes.
Comment: Has not been previously published as pathogenic or benign to our knowledge; In silico analysis supports that this missense variant does not alter protein structure/function

PreventionGenetics, part of Exact Sciences
Classification: Uncertain significance for COL9A2-related condition. Last evaluated: 2024-03-27. Review status: no assertion criteria provided. Collection method: clinical testing. Allele origin: germline. Not counted in ClinVar's aggregate classification.
Comment: The COL9A2 c.217C>T variant is predicted to result in the amino acid substitution p.Pro73Ser. To our knowledge, this variant has not been reported in the literature. This variant is reported in 0.035% of alleles in individuals of East Asian descent in gnomAD. At this time, the clinical significance of this variant is uncertain due to the absence of conclusive functional and genetic evidence.